The following is an entry in ClinVar:

NM_004366.6(CLCN2):c.841G>T (p.Ala281Ser)

Gene: CLCN2 (chloride voltage-gated channel 2; minus strand). Cytogenetic location: 3q27.1.
Variant type: single nucleotide variant.
Coding change: c.841G>T on transcript NM_004366.6 (MANE Select); coding-DNA position 841, G replaced by T.
Protein change: p.Ala281Ser; replaces alanine 281 with serine.
Molecular consequence: missense variant.
Genome position (GRCh38, 1-based): chr3:184,357,419, C>A on the plus strand (G>T on the coding strand, the complement: CLCN2 is on the minus strand). VCF-style: chr3-184357419-C-A. GRCh37 (hg19) VCF-style: chr3-184075207-C-A.
Other names: c.841G>T, p.Ala281Ser (NM_001171087.3, NM_001171089.3); c.709G>T, p.Ala237Ser (NM_001171088.3); short protein forms A237S, A281S.
Identifiers: ClinVar variation 2046201 (VCV002046201.6), dbSNP rs768234445, ClinGen allele CA2734340.

ClinVar aggregate classification (germline): Uncertain significance. Review status: criteria provided, multiple submitters, no conflicts (2 of 4 stars). 2 submissions from 2 submitters: Uncertain significance (2). Last evaluated 2025-10-16.

Allele frequency attached by ClinVar (database versions not stated): ExAC 0.00002; gnomAD 0.00002.
gnomAD v4.1: 21 of 1,613,918 alleles (0.0013%); highest among the groups gnomAD compares: Admixed American, 0.005%; no homozygotes.

Submissions (2):

Dasa
Classification: Uncertain significance. Last evaluated: 2025-10-16. Review status: criteria provided, single submitter. Criteria: DASA Assertion Criteria. Collection method: clinical testing. Allele origin: germline.
Comment: NM_004366.6(CLCN2):c.841G>T (p.Ala281Ser) is a missense variant that results in the substitution of alanine with serine. This variant is rare in population databases. The currently available literature and clinical evidence are not sufficient to establish a definitive association between this variant and the reported condition. Therefore, this variant is classified as a variant of uncertain significance.

Labcorp Genetics (formerly Invitae), Labcorp
Classification: Uncertain significance. Last evaluated: 2025-07-14. Review status: criteria provided, single submitter. Criteria: Invitae Variant Classification Sherloc (09022015). Collection method: clinical testing. Allele origin: germline.
Comment: This sequence change replaces alanine, which is neutral and non-polar, with serine, which is neutral and polar, at codon 281 of the CLCN2 protein (p.Ala281Ser). This variant is present in population databases (rs768234445, gnomAD 0.003%). This variant has not been reported in the literature in individuals affected with CLCN2-related conditions. ClinVar contains an entry for this variant (Variation ID: 2046201). Invitae Evidence Modeling of protein sequence and biophysical properties (such as structural, functional, and spatial information, amino acid conservation, physicochemical variation, residue mobility, and thermodynamic stability) indicates that this missense variant is not expected to disrupt CLCN2 protein function with a negative predictive value of 80%. In summary, the available evidence is currently insufficient to determine the role of this variant in disease. Therefore, it has been classified as a Variant of Uncertain Significance.